The following is an entry in ClinVar:

NM_001110556.2(FLNA):c.7423G>A (p.Asp2475Asn)

Gene: FLNA (filamin A; minus strand). Cytogenetic location: Xq28.
Variant type: single nucleotide variant.
Coding change: c.7423G>A on transcript NM_001110556.2 (MANE Select); coding-DNA position 7423, G replaced by A.
Protein change: p.Asp2475Asn; replaces aspartic acid 2475 with asparagine.
Molecular consequence: missense variant.
Genome position (GRCh38, 1-based): chrX:154,349,778, C>T on the plus strand (G>A on the coding strand, the complement: FLNA is on the minus strand). VCF-style: chrX-154349778-C-T. GRCh37 (hg19) VCF-style: chrX-153578146-C-T.
Other names: c.7399G>A, p.Asp2467Asn (NM_001456.4); c.7399G>A (NM_001456.3); short protein forms D2475N, D2467N.
Identifiers: ClinVar variation 1415133 (VCV001415133.8), dbSNP rs2148100917, ClinGen allele CA415182544.

ClinVar aggregate classification (germline): Uncertain significance. Review status: criteria provided, multiple submitters, no conflicts (2 of 4 stars). 2 submissions from 2 submitters: Uncertain significance (2). Last evaluated 2024-11-04.

Conditions:
Melnick-Needles syndrome (MNS). Also called: MELNICK-NEEDLES OSTEODYSPLASTY; Melnick-Needles Syndrome (FLNA-MNS); OSTEODYSPLASTY OF MELNICK AND NEEDLES. Identifiers: Orphanet 2484, MedGen C0025237, MONDO:0010650, OMIM 309350.
Frontometaphyseal dysplasia (FMD1). Identifiers: Orphanet 1826, MedGen C0265293, MONDO:0015942.
Heterotopia, periventricular, X-linked dominant (PVNH1). Also called: PERIVENTRICULAR NODULAR HETEROTOPIA 1; X-linked periventricular heterotopia; PERIVENTRICULAR NODULAR HETEROTOPIA 4; HETEROTOPIA, PERIVENTRICULAR, 1. Identifiers: Orphanet 2149, Orphanet 82004, MedGen C1848213, MONDO:0010233, OMIM 300049.
Oto-palato-digital syndrome, type II (OPD2). Also called: FACIOPALATOOSSEOUS SYNDROME; Otopalatodigital Syndrome Type 2 (FLNA-OPD2); OPD II SYNDROME; Otopalatodigital Syndrome, Type II. Identifiers: Orphanet 669, Orphanet 90652, MedGen C1844696, MONDO:0010571, OMIM 304120.

Submissions (2):

Labcorp Genetics (formerly Invitae), Labcorp
Classification: Uncertain significance for Oto-palato-digital syndrome, type II; Heterotopia, periventricular, X-linked dominant; Frontometaphyseal dysplasia; Melnick-Needles syndrome. Last evaluated: 2024-11-04. Review status: criteria provided, single submitter. Criteria: Invitae Variant Classification Sherloc (09022015). Collection method: clinical testing. Allele origin: germline.
Comment: This sequence change replaces aspartic acid, which is acidic and polar, with asparagine, which is neutral and polar, at codon 2467 of the FLNA protein (p.Asp2467Asn). This variant is not present in population databases (gnomAD no frequency). This variant has not been reported in the literature in individuals affected with FLNA-related conditions. ClinVar contains an entry for this variant (Variation ID: 1415133). Invitae Evidence Modeling of protein sequence and biophysical properties (such as structural, functional, and spatial information, amino acid conservation, physicochemical variation, residue mobility, and thermodynamic stability) indicates that this missense variant is not expected to disrupt FLNA protein function with a negative predictive value of 95%. In summary, the available evidence is currently insufficient to determine the role of this variant in disease. Therefore, it has been classified as a Variant of Uncertain Significance.

GeneDx
Classification: Uncertain significance. Last evaluated: 2023-05-25. Review status: criteria provided, single submitter. Criteria: GeneDx Variant Classification Process June 2021. Collection method: clinical testing. Allele origin: germline. Affected: yes.
Comment: Not observed at significant frequency in large population cohorts (gnomAD); In silico analysis supports that this missense variant has a deleterious effect on protein structure/function; Has not been previously published as pathogenic or benign to our knowledge